The following is an entry in ClinVar:

NM_001384732.1(CPLANE1):c.4095C>T (p.Phe1365=)

Gene: CPLANE1 (ciliogenesis and planar polarity effector complex subunit 1; minus strand). Cytogenetic location: 5p13.2.
Variant type: single nucleotide variant.
Coding change: c.4095C>T on transcript NM_001384732.1 (MANE Select); coding-DNA position 4095, C replaced by T.
Protein change: p.Phe1365=; no amino-acid change (phenylalanine 1365 retained).
Molecular consequence: synonymous variant.
Genome position (GRCh38, 1-based): chr5:37,186,380, G>A on the plus strand (C>T on the coding strand, the complement: CPLANE1 is on the minus strand). VCF-style: chr5-37186380-G-A. GRCh37 (hg19) VCF-style: chr5-37186482-G-A.
Other names: c.4095C>T, p.Phe1365= (NM_023073.4).
Identifiers: ClinVar variation 470164 (VCV000470164.34), dbSNP rs750696838, ClinGen allele CA3238778.

ClinVar aggregate classification (germline): Likely benign. Review status: criteria provided, multiple submitters, no conflicts (2 of 4 stars). 4 submissions from 4 submitters: Likely benign (4). Last evaluated 2026-01-26.

Allele frequency attached by ClinVar (database versions not stated): TOPMed below 0.00001; gnomAD exomes 0.00003; gnomAD 0.00004; ExAC 0.00006.

Submissions (4):

Labcorp Genetics (formerly Invitae), Labcorp
Classification: Likely benign. Last evaluated: 2026-01-26. Review status: criteria provided, single submitter. Criteria: Invitae Variant Classification Sherloc (09022015). Collection method: clinical testing. Allele origin: germline.

Laboratory of Genetics, Children's Clinical University Hospital Latvia
Classification: Likely benign. Last evaluated: 2025-02-16. Review status: criteria provided, single submitter. Criteria: ACMG Guidelines, 2015. Collection method: clinical testing. Allele origin: germline. Affected: yes.

CeGaT Center for Human Genetics Tuebingen
Classification: Likely benign. Last evaluated: 2022-04-01. Review status: criteria provided, single submitter. Criteria: CeGaT Center For Human Genetics Tuebingen Variant Classification Criteria Version 2. Collection method: clinical testing. Allele origin: germline. Affected: yes. Observed: 1 variant allele.
Comment: CPLANE1: BP4, BP7

Blueprint Genetics
Classification: Likely benign. Last evaluated: 2020-08-19. Review status: criteria provided, single submitter. Criteria: ACMG Guidelines, 2015. Collection method: clinical testing. Allele origin: germline.